The following is an entry in ClinVar:

ClinVar aggregate classification (germline): Uncertain significance (1 of 4 stars; one submission).

Conditions:
Inborn genetic diseases. Identifiers: MedGen C0950123, MeSH D030342.

Submission:

Ambry Genetics
Classification: Uncertain significance for Inborn genetic diseases. Last evaluated: 2023-03-30. Review status: criteria provided, single submitter. Criteria: Ambry Variant Classification Scheme 2023. Collection method: clinical testing. Allele origin: germline.
Comment: Loss of function has not been established as a mechanism of disease Based on insufficient or conflicting evidence, the clinical significance of this alteration remains unclear.

NM_198252.3(GSN):c.592del (p.Asp198fs)

Gene: GSN (gelsolin; plus strand). Cytogenetic location: 9q33.2.
Variant type: Deletion.
Coding change: c.592del on transcript NM_198252.3 (MANE Select); coding-DNA position 592, one base deleted (G; older notation c.592delG).
Protein change: p.Asp198fs; shifts the reading frame from aspartic acid 198.
Molecular consequence: frameshift variant. On other transcripts: 5 prime UTR variant (1).
Genome position (GRCh38, 1-based): chr9:121,312,417, G deleted; the last of 3 consecutive G bases (chr9:121,312,415-121,312,417); deleting any one gives the same sequence. VCF-style (leftmost placement, unchanged base first): chr9-121312414-CG-C. GRCh37 (hg19) VCF-style: chr9-124074692-CG-C.
Other names: c.745del, p.Asp249fs (NM_000177.5); c.592del, p.Asp198fs (NM_001127662.2, NM_001127664.2, NM_001127665.2 and 10 more transcripts); c.700del, p.Asp234fs (NM_001127663.2); c.625del, p.Asp209fs (NM_001127666.2, NM_001127667.2, NM_001353063.2 and 13 more transcripts); c.643del, p.Asp215fs (NM_001258029.2); c.616del, p.Asp206fs (NM_001258030.2); c.664del, p.Asp222fs (NM_001353076.2); c.-63del (NM_001353078.2); short protein forms D222fs, D215fs, D249fs, D206fs, D198fs, D209fs, D234fs.
Identifiers: ClinVar variation 2525973 (VCV002525973.2), dbSNP rs2540799156, ClinGen allele CA2580616297.
Genomic context (GRCh38, chr9:121,312,414, plus strand): 5'-TGTGGTTCCAACAGCAATCGGTATGAAAGACTGAAGGCCACACAGGTGTCCAAGGGCATC[CG>C]GGACAACGAGCGGAGTGGCCGGGCCCGAGTGCACGTGTCTGAGGAGGGCACTGAGCCCGA-3'